The following is an entry in ClinVar:

ClinVar aggregate classification (germline): Uncertain significance. Review status: criteria provided, multiple submitters, no conflicts (2 of 4 stars). 2 submissions from 2 submitters: Uncertain significance (2). Last evaluated 2025-12-09.

Conditions:
Oto-palato-digital syndrome, type II (OPD2). Also called: Otopalatodigital Syndrome Type 2 (FLNA-OPD2); FACIOPALATOOSSEOUS SYNDROME; OPD II SYNDROME; Otopalatodigital Syndrome, Type II. Identifiers: Orphanet 669, Orphanet 90652, MedGen C1844696, MONDO:0010571, OMIM 304120.
Heterotopia, periventricular, X-linked dominant (PVNH1). Also called: PERIVENTRICULAR NODULAR HETEROTOPIA 1; X-linked periventricular heterotopia; PERIVENTRICULAR NODULAR HETEROTOPIA 4; HETEROTOPIA, PERIVENTRICULAR, 1. Identifiers: Orphanet 2149, Orphanet 82004, MedGen C1848213, MONDO:0010233, OMIM 300049.
Melnick-Needles syndrome (MNS). Also called: Melnick-Needles Syndrome (FLNA-MNS); MELNICK-NEEDLES OSTEODYSPLASTY; OSTEODYSPLASTY OF MELNICK AND NEEDLES. Identifiers: Orphanet 2484, MedGen C0025237, MONDO:0010650, OMIM 309350.
Frontometaphyseal dysplasia (FMD1). Identifiers: Orphanet 1826, MedGen C0265293, MONDO:0015942.

Submissions (2):

Labcorp Genetics (formerly Invitae), Labcorp
Classification: Uncertain significance for Oto-palato-digital syndrome, type II; Heterotopia, periventricular, X-linked dominant; Frontometaphyseal dysplasia; Melnick-Needles syndrome. Last evaluated: 2025-12-09. Review status: criteria provided, single submitter. Criteria: Invitae Variant Classification Sherloc (09022015). Collection method: clinical testing. Allele origin: germline.
Comment: This sequence change replaces lysine, which is basic and polar, with glutamine, which is neutral and polar, at codon 2302 of the FLNA protein (p.Lys2302Gln). This variant is not present in population databases (gnomAD no frequency). This variant has not been reported in the literature in individuals affected with FLNA-related conditions. ClinVar contains an entry for this variant (Variation ID: 2928924). Invitae Evidence Modeling of protein sequence and biophysical properties (such as structural, functional, and spatial information, amino acid conservation, physicochemical variation, residue mobility, and thermodynamic stability) indicates that this missense variant is not expected to disrupt FLNA protein function with a negative predictive value of 95%. In summary, the available evidence is currently insufficient to determine the role of this variant in disease. Therefore, it has been classified as a Variant of Uncertain Significance.

GeneDx
Classification: Uncertain significance. Last evaluated: 2024-11-12. Review status: criteria provided, single submitter. Criteria: GeneDx Variant Classification Process June 2021. Collection method: clinical testing. Allele origin: germline. Affected: yes.
Comment: Not observed at significant frequency in large population cohorts (gnomAD); In silico analysis supports that this missense variant has a deleterious effect on protein structure/function; Has not been previously published as pathogenic or benign to our knowledge

NM_001110556.2(FLNA):c.6928A>C (p.Lys2310Gln)

Gene: FLNA (filamin A; minus strand). Cytogenetic location: Xq28.
Variant type: single nucleotide variant.
Coding change: c.6928A>C on transcript NM_001110556.2 (MANE Select); coding-DNA position 6928, A replaced by C.
Protein change: p.Lys2310Gln; replaces lysine 2310 with glutamine.
Molecular consequence: missense variant.
Genome position (GRCh38, 1-based): chrX:154,351,676, T>G on the plus strand (A>C on the coding strand, the complement: FLNA is on the minus strand). VCF-style: chrX-154351676-T-G. GRCh37 (hg19) VCF-style: chrX-153580044-T-G.
Other names: c.6904A>C (NM_001456.3); c.6904A>C, p.Lys2302Gln (NM_001456.4); short protein forms K2310Q, K2302Q.
Identifiers: ClinVar variation 2928924 (VCV002928924.4), dbSNP rs2522718893, ClinGen allele CA415185954.